The following is an entry in ClinVar:

NM_001304360.2(CFAP74):c.1714_1715del (p.Leu572fs)

Gene: CFAP74 (cilia and flagella associated protein 74; minus strand). Cytogenetic location: 1p36.33.
Variant type: Deletion.
Coding change: c.1714_1715del on transcript NM_001304360.2 (MANE Select); coding-DNA positions 1714 to 1715, 2 bases deleted (CT; older notation c.1714_1715delCT).
Protein change: p.Leu572fs; shifts the reading frame from leucine 572.
Molecular consequence: frameshift variant.
Genome position (GRCh38, 1-based): chr1:1,960,010-1,960,011, AG deleted on the plus strand (CT on the coding strand, the reverse complement: CFAP74 is on the minus strand). VCF-style (leftmost placement, unchanged base first): chr1-1960009-CAG-C. GRCh37 (hg19) VCF-style: chr1-1891448-CAG-C.
Other names: short protein forms L572fs.
Identifiers: ClinVar variation 3340496 (VCV003340496.1).
Genomic context (GRCh38, chr1:1,960,009, plus strand): 5'-GCCCCTCTGACTCACCATCGGCTTGAAGGTGACAAGCACTTCACAGGACATTCCGGCTGA[CAG>C]GGGGCCAGGGGGGTCAAAGCTGCAGGACGTGACCCATAGCACACGGGGGTTAGTGCTGCG-3'

ClinVar aggregate classification (germline): Likely pathogenic (1 of 4 stars; one submission).

Conditions:
Ciliary dyskinesia, primary, 49, without situs inversus (CILD49). Identifiers: MedGen C5774291, MONDO:0859353, OMIM 620197.

Submission:

Diagnostics Services (NGS), CSIR - Centre For Cellular And Molecular Biology
Classification: Likely pathogenic for Ciliary dyskinesia, primary, 49, without situs inversus. Last evaluated: 2024-08-01. Review status: criteria provided, single submitter. Criteria: ACMG Guidelines, 2015. Collection method: clinical testing. Allele origin: unknown. Affected: yes. Observed: 1 variant allele, 1 heterozygote.
Comment: The c.1714_1715del variant is not present in 1000 Genomes Indian Exome Database or our in-house exome database. The variant is present in EVS, gnomAD and ExAC databases at a low frequency. This variant has neither been published in literature in individuals with CFAP74-related conditions nor reported to the HGMD, ClinVar or OMIM, in any affected individuals. In-silico pathogenicity prediction programs like MutationTaster2, CADD, Varsome, Franklin etc predicted this variant to be likely deleterious. This variant causes frameshift at the 572nd amino acid position of the wild-type transcript that creates a premature translational stop-signal at the altered transcript that either results in translation of a truncated protein or cause nonsense mediated decay of the mRNA.